The following is an entry in ClinVar:

ClinVar aggregate classification (germline): Uncertain significance. Review status: criteria provided, single submitter (1 of 4 stars). 2 submissions from 2 submitters: Uncertain significance (1). 1 of the submissions does not count toward it. Last evaluated 2022-08-21.

Allele frequency attached by ClinVar (database versions not stated): gnomAD exomes 0.00001 and 0.00004; ExAC 0.00005; gnomAD 0.00006; TOPMed 0.00002; ESP Exome Variant Server 0.00008.
gnomAD v4.1: 29 of 1,613,996 alleles (0.0018%); highest among the groups gnomAD compares: Middle Eastern, 0.049%; no homozygotes.

Submissions (2):

Labcorp Genetics (formerly Invitae), Labcorp
Classification: Uncertain significance. Last evaluated: 2022-08-21. Review status: criteria provided, single submitter. Criteria: Invitae Variant Classification Sherloc (09022015). Collection method: clinical testing. Allele origin: germline.
Comment: In summary, the available evidence is currently insufficient to determine the role of this variant in disease. Therefore, it has been classified as a Variant of Uncertain Significance. Experimental studies have shown that this missense change does not substantially affect GFAP function (PMID: 15732097). Algorithms developed to predict the effect of missense changes on protein structure and function (SIFT, PolyPhen-2, Align-GVGD) all suggest that this variant is likely to be tolerated. ClinVar contains an entry for this variant (Variation ID: 66482). This missense change has been observed in individual(s) with Alexander disease (PMID: 15732098). This variant is present in population databases (rs56746197, gnomAD 0.02%). This sequence change replaces valine, which is neutral and non-polar, with isoleucine, which is neutral and non-polar, at codon 115 of the GFAP protein (p.Val115Ile).

Epithelial Biology;  Institute of Medical Biology, Singapore
No classification provided. Review status: no classification provided. Collection method: not provided. Allele origin: not provided. Not counted in ClinVar's aggregate classification.

Literature cited by the submitters: PubMed 15732097 (cited by Labcorp Genetics (formerly Invitae), Labcorp); PubMed 15732098 (cited by Labcorp Genetics (formerly Invitae), Labcorp).

NM_002055.5(GFAP):c.343G>A (p.Val115Ile)

Gene: GFAP (glial fibrillary acidic protein; minus strand). Cytogenetic location: 17q21.31.
Variant type: single nucleotide variant.
Coding change: c.343G>A on transcript NM_002055.5 (MANE Select); coding-DNA position 343, G replaced by A.
Protein change: p.Val115Ile; replaces valine 115 with isoleucine.
Molecular consequence: missense variant.
Genome position (GRCh38, 1-based): chr17:44,915,144, C>T on the plus strand (G>A on the coding strand, the complement: GFAP is on the minus strand). VCF-style: chr17-44915144-C-T. GRCh37 (hg19) VCF-style: chr17-42992512-C-T.
Other names: c.343G>A, p.Val115Ile (NM_001131019.3, NM_001242376.3, NM_001363846.2); short protein forms V115I.
Identifiers: ClinVar variation 66482 (VCV000066482.5), dbSNP rs56746197, ClinGen allele CA217187.